The following is an entry in ClinVar:

NM_031300.4(MXD3):c.264C>T (p.Ala88=)

Gene: MXD3 (MAX dimerization protein 3; minus strand). Cytogenetic location: 5q35.3.
Variant type: single nucleotide variant.
Coding change: c.264C>T on transcript NM_031300.4 (MANE Select); coding-DNA position 264, C replaced by T.
Protein change: p.Ala88=; no amino-acid change (alanine 88 retained).
Molecular consequence: synonymous variant.
Genome position (GRCh38, 1-based): chr5:177,310,483, G>A on the plus strand (C>T on the coding strand, the complement: MXD3 is on the minus strand). VCF-style: chr5-177310483-G-A. GRCh37 (hg19) VCF-style: chr5-176737484-G-A.
Other names: c.264C>T, p.Ala88= (NM_001142935.2, NM_001394986.1); c.234C>T, p.Ala78= (NM_001394987.1).
Identifiers: ClinVar variation 2656114 (VCV002656114.24), dbSNP rs149176900, ClinGen allele CA3579013.

ClinVar aggregate classification (germline): Likely benign (1 of 4 stars; one submission).

Allele frequency attached by ClinVar (database versions not stated): 1000 Genomes Project 30x 0.00031; 1000 Genomes Project 0.00040; gnomAD 0.00114; TOPMed 0.00116; ESP Exome Variant Server 0.00154; gnomAD exomes 0.00184.
gnomAD v4.1: 2,842 of 1,612,992 alleles (0.18%); highest among the groups gnomAD compares: Non-Finnish European, 0.22%; 4 homozygotes.

Submission:

CeGaT Center for Human Genetics Tuebingen
Classification: Likely benign. Last evaluated: 2022-09-01. Review status: criteria provided, single submitter. Criteria: CeGaT Center For Human Genetics Tuebingen Variant Classification Criteria Version 2. Collection method: clinical testing. Allele origin: germline. Affected: yes. Observed: 1 variant allele.
Comment: MXD3: BP4, BP7